The following is an entry in ClinVar:

ClinVar aggregate classification (germline): Likely pathogenic. Review status: criteria provided, multiple submitters, no conflicts (2 of 4 stars). 4 submissions from 4 submitters: Likely pathogenic (4). Last evaluated 2026-08-06.

Conditions:
Hereditary hypotrichosis with recurrent skin vesicles. Identifiers: Orphanet 217407, MedGen C2751292, MONDO:0013136, OMIM 613102.

Allele frequency attached by ClinVar (database versions not stated): gnomAD exomes 0.00005; gnomAD 0.00010; ExAC 0.00012; TOPMed 0.00012; 1000 Genomes Project 30x 0.00016; 1000 Genomes Project 0.00020; ESP Exome Variant Server 0.00023.
gnomAD v4.1: 92 of 1,614,182 alleles (0.0057%); highest among the groups gnomAD compares: Middle Eastern, 0.033%; no homozygotes.

Submissions (5):

OLLIN Analises Genomicas, OLLIN
Classification: Likely pathogenic. Last evaluated: 2026-08-06. Review status: criteria provided, single submitter. Criteria: ACMG Guidelines 2015 PMID 25741868. Collection method: clinical testing. Allele origin: germline.
Comment: This variant, located at the canonical splicing site (splice acceptor), has been reported in ClinVar (accession VCV002077763.3) and in gnomAD with an allele frequency of 0.0057%. However, to our knowledge, it has not been reported in the scientific literature. This variant is predicted to disrupt a canonical splice site, potentially leading to exon skipping, mRNA degradation via nonsense-mediated decay (NMD), or production of a truncated protein. According to the currently available evidence, this variant has been classified as likely pathogenic (PVS1, PM2_P).

Department of Molecular Genetics, Istishari Arab Hospital
Classification: Likely pathogenic for Hereditary hypotrichosis with recurrent skin vesicles. Last evaluated: 2026-05-06. Review status: criteria provided, single submitter. Criteria: ACMG Guidelines, 2015. Collection method: clinical testing. Allele origin: germline. Inheritance: Autosomal recessive inheritance. Affected: yes.
Comment: The DSC3 variant c.2236-2A>G is predicted to disrupt the canonical splice site [SpliceAI: Strong (0.910)] and thus affects normal protein function. The variant is observed with very low frequency in the gnomAD v4.1.0 dataset (total allele frequency: <0.001%). This variant was previously reported in patients with Hypotrichosis and recurrent skin vesicles (PMID: 31790667, 19765682, 18682494, 16199547). It is classified as likely pathogenic according to the recommendations of ACMG/AMP/ClinGen SVI guidelines.

Genomic Medicine Center of Excellence, King Faisal Specialist Hospital and Research Centre
Classification: Likely pathogenic for Hereditary hypotrichosis with recurrent skin vesicles. Last evaluated: 2024-12-19. Review status: criteria provided, single submitter. Criteria: ACMG Guidelines, 2015. Collection method: clinical testing. Allele origin: germline.

Labcorp Genetics (formerly Invitae), Labcorp
Classification: Likely pathogenic. Last evaluated: 2022-06-28. Review status: criteria provided, single submitter. Criteria: Invitae Variant Classification Sherloc (09022015). Collection method: clinical testing. Allele origin: germline.
Comment: This sequence change affects an acceptor splice site in intron 14 of the DSC3 gene. It is expected to disrupt RNA splicing. Variants that disrupt the donor or acceptor splice site typically lead to a loss of protein function (PMID: 16199547), and loss-of-function variants in DSC3 are known to be pathogenic (PMID: 18682494, 19765682, 31790667). This variant is present in population databases (rs145045316, gnomAD 0.02%). This variant has not been reported in the literature in individuals affected with DSC3-related conditions. Algorithms developed to predict the effect of sequence changes on RNA splicing suggest that this variant may disrupt the consensus splice site. In summary, the currently available evidence indicates that the variant is pathogenic, but additional data are needed to prove that conclusively. Therefore, this variant has been classified as Likely Pathogenic.

Dr. Peter K. Rogan Lab, Western University
No classification provided (evidence only). Condition: Sarcoma. Review status: no classification provided. Collection method: in vitro. Allele origin: not applicable. Functional consequence: skipped exon. Not counted in ClinVar's aggregate classification.

Literature cited by the submitters: PubMed 31790667 (cited by Department of Molecular Genetics, Istishari Arab Hospital and Labcorp Genetics (formerly Invitae), Labcorp); PubMed 19765682 (cited by Department of Molecular Genetics, Istishari Arab Hospital and Labcorp Genetics (formerly Invitae), Labcorp); PubMed 18682494 (cited by Department of Molecular Genetics, Istishari Arab Hospital and Labcorp Genetics (formerly Invitae), Labcorp); PubMed 16199547 (cited by Department of Molecular Genetics, Istishari Arab Hospital and Labcorp Genetics (formerly Invitae), Labcorp).

NM_001941.5(DSC3):c.2236-2A>G

Gene: DSC3 (desmocollin 3; minus strand). Cytogenetic location: 18q12.1.
Variant type: single nucleotide variant.
Coding change: c.2236-2A>G on transcript NM_001941.5 (MANE Select); the canonical splice acceptor site of the intron before coding-DNA position 2236, A replaced by G.
Molecular consequence: splice acceptor variant.
Genome position (GRCh38, 1-based): chr18:30,997,050, T>C on the plus strand (A>G on the coding strand, the complement: DSC3 is on the minus strand). VCF-style: chr18-30997050-T-C. GRCh37 (hg19) VCF-style: chr18-28577016-T-C.
Other names: c.2236-2A>G (NM_024423.4).
Identifiers: ClinVar variation 2077763 (VCV002077763.4), dbSNP rs145045316, ClinGen allele CA8924047.